The following is an entry in ClinVar:

ClinVar aggregate classification (germline): Uncertain significance (1 of 4 stars; one submission).

Conditions:
Hyperphosphatasia with impaired intellectual development syndrome 2. Also called: GLYCOSYLPHOSPHATIDYLINOSITOL BIOSYNTHESIS DEFECT 6; Hyperphosphatasia with intellectual disability syndrome 2. Identifiers: Orphanet 247262, MedGen C3553637, MONDO:0013882, OMIM 614749.

Submission:

Labcorp Genetics (formerly Invitae), Labcorp
Classification: Uncertain significance for Hyperphosphatasia with mental retardation syndrome 2. Last evaluated: 2019-11-29. Review status: criteria provided, single submitter. Criteria: Invitae Variant Classification Sherloc (09022015). Collection method: clinical testing. Allele origin: germline.
Comment: This variant results in a copy number gain of the genomic region encompassing the full coding sequence of the PIGO gene. The boundaries of this event are unknown as they extend beyond the assayed region for this gene and therefore may encompass additional genes. As the precise location of this event is unknown, it may be in tandem or it may be located elsewhere in the genome. This variant has not been reported in the literature in individuals with PIGO-related conditions. In summary, the available evidence is currently insufficient to determine the role of this variant in disease. Therefore, it has been classified as a Variant of Uncertain Significance.

NC_000009.11:g.(?_34458984)_(35809462_?)dup

Genes: ARHGEF39 (Rho guanine nucleotide exchange factor 39; minus strand), ARID3C (AT-rich interaction domain 3C; minus strand), ATOSB (atos homolog B; minus strand), CA9 (carbonic anhydrase 9; plus strand), CCDC107 (coiled-coil domain containing 107; plus strand) and 34 more. Cytogenetic location: 9p13.3.
Variant type: Duplication.
Identifiers: ClinVar variation 473211 (VCV000473211.2).